The following is an entry in ClinVar:

ClinVar aggregate classification (germline): Uncertain significance (1 of 4 stars; one submission).

Conditions:
Familial cancer of breast. Also called: hereditary breast carcinoma; BREAST CANCER, FAMILIAL; Hereditary breast cancer. Identifiers: Orphanet 227535, MedGen C0346153, MONDO:0016419, OMIM 114480. Disease mechanism: loss of function.

gnomAD v4.1: 1 of 1,614,202 alleles (0.000062%); highest among the groups gnomAD compares: Non-Finnish European, 0.000085%; no homozygotes.

Submission:

Labcorp Genetics (formerly Invitae), Labcorp
Classification: Uncertain significance for Familial cancer of breast. Last evaluated: 2022-06-22. Review status: criteria provided, single submitter. Criteria: Invitae Variant Classification Sherloc (09022015). Collection method: clinical testing. Allele origin: germline.
Comment: In summary, the available evidence is currently insufficient to determine the role of this variant in disease. Therefore, it has been classified as a Variant of Uncertain Significance. Algorithms developed to predict the effect of missense changes on protein structure and function output the following: SIFT: "Tolerated"; PolyPhen-2: "Benign"; Align-GVGD: "Class C0". The glycine amino acid residue is found in multiple mammalian species, which suggests that this missense change does not adversely affect protein function. This variant has not been reported in the literature in individuals affected with PALB2-related conditions. This variant is not present in population databases (gnomAD no frequency). This sequence change replaces aspartic acid, which is acidic and polar, with glycine, which is neutral and non-polar, at codon 665 of the PALB2 protein (p.Asp665Gly).

NM_024675.4(PALB2):c.1994A>G (p.Asp665Gly)

Gene: PALB2 (partner and localizer of BRCA2; minus strand). Cytogenetic location: 16p12.2.
Variant type: single nucleotide variant.
Coding change: c.1994A>G on transcript NM_024675.4 (MANE Select); coding-DNA position 1994, A replaced by G.
Protein change: p.Asp665Gly; replaces aspartic acid 665 with glycine.
Molecular consequence: missense variant.
Genome position (GRCh38, 1-based): chr16:23,630,160, T>C on the plus strand (A>G on the coding strand, the complement: PALB2 is on the minus strand). VCF-style: chr16-23630160-T-C. GRCh37 (hg19) VCF-style: chr16-23641481-T-C.
Other names: c.1934A>G, p.Asp645Gly (NM_001407296.1); c.1994A>G, p.Asp665Gly (NM_001407297.1, NM_001407298.1, NM_001407299.1 and 3 more transcripts); c.1109A>G, p.Asp370Gly (NM_001407304.1, NM_001407305.1, NM_001407306.1 and 5 more transcripts); c.206A>G, p.Asp69Gly (NM_001407312.1, NM_001407313.1); short protein forms D665G, D69G, D645G, D370G.
Identifiers: ClinVar variation 2009016 (VCV002009016.4), dbSNP rs1555460531, ClinGen allele CA395127206.
Genomic context (GRCh38, chr16:23,630,160, plus strand): 5'-TTGGGATGTGATTTTCCTGGTAGAACAATAAGGTCCTCTTCTAAGTCCTCCATTTCTGTA[T>C]CCATGCGTTTAGGACTCAGTTCCTCTGGAAAAATACAGCTTCCCTCTTTAAGATGTCTCT-3'
Protein context (NP_078951.2, residues 655-675): FPEELSPKRM[Asp665Gly]TEMEDLEEDL